The following is an entry in ClinVar:

NM_000487.6(ARSA):c.141C>T (p.Thr47=)

Gene: ARSA (arylsulfatase A; minus strand). Cytogenetic location: 22q13.33.
Variant type: single nucleotide variant.
Coding change: c.141C>T on transcript NM_000487.6 (MANE Select); coding-DNA position 141, C replaced by T.
Protein change: p.Thr47=; no amino-acid change (threonine 47 retained).
Molecular consequence: synonymous variant. On other transcripts: intron variant (2).
Genome position (GRCh38, 1-based): chr22:50,627,639, G>A on the plus strand (C>T on the coding strand, the complement: ARSA is on the minus strand). VCF-style: chr22-50627639-G-A. GRCh37 (hg19) VCF-style: chr22-51066067-G-A.
Other names: c.141C>T, p.Thr47= (NM_001085425.3, NM_001085426.3, NM_001085427.3); c.-34-233C>T (NM_001362782.2, NM_001085428.3).
Identifiers: ClinVar variation 4281529 (VCV004281529.7).

ClinVar aggregate classification (germline): Likely benign (1 of 4 stars; one submission).

Submission:

CeGaT Center for Human Genetics Tuebingen
Classification: Likely benign. Last evaluated: 2025-09-01. Review status: criteria provided, single submitter. Criteria: CeGaT Center For Human Genetics Tuebingen Variant Classification Criteria Version 2. Collection method: clinical testing. Allele origin: germline. Affected: yes. Observed: 1 variant allele.
Comment: ARSA: PM2:Supporting, BP4, BP7